The following is an entry in ClinVar:

ClinVar aggregate classification (germline): Benign (0 of 4 stars; one submission).

Conditions:
CTSC-related disorder. Also called: CTSC-related disorders; CTSC-related condition. Identifiers: MedGen CN375926, MONDO:0800465.

Allele frequency attached by ClinVar (database versions not stated): TOPMed 0.00045; gnomAD 0.00073; gnomAD exomes 0.00098; ESP Exome Variant Server 0.00131; 1000 Genomes Project 30x 0.00141; 1000 Genomes Project 0.00160; ExAC 0.00170.
gnomAD v4.1: 1,548 of 1,614,072 alleles (0.096%); highest among the groups gnomAD compares: South Asian, 1.1%; 18 homozygotes.

Submission:

PreventionGenetics, part of Exact Sciences
Classification: Benign for CTSC-related condition. Last evaluated: 2019-04-01. Review status: no assertion criteria provided. Collection method: clinical testing. Allele origin: germline.
Comment: This variant is classified as benign based on ACMG/AMP sequence variant interpretation guidelines (Richards et al. 2015 PMID: 25741868, with internal and published modifications).

NM_001814.6(CTSC):c.318+8563G>A

Gene: CTSC (cathepsin C; minus strand). Cytogenetic location: 11q14.2.
Variant type: single nucleotide variant.
Coding change: c.318+8563G>A on transcript NM_001814.6 (MANE Select); 8563 bases into the intron after coding-DNA position 318, G replaced by A.
Molecular consequence: intron variant. On other transcripts: 3 prime UTR variant (2).
Genome position (GRCh38, 1-based): chr11:88,326,374, C>T on the plus strand (G>A on the coding strand, the complement: CTSC is on the minus strand). VCF-style: chr11-88326374-C-T. GRCh37 (hg19) VCF-style: chr11-88059542-C-T.
Other names: c.*3G>A (NM_001114173.3); c.*59G>A (NM_148170.5).
Identifiers: ClinVar variation 3045523 (VCV003045523.2), dbSNP rs200120338, ClinGen allele CA6219995.